The following is an entry in ClinVar:

ClinVar aggregate classification (germline): Uncertain significance (1 of 4 stars; one submission).

Conditions:
L-2-hydroxyglutaric aciduria (L2HGA). Identifiers: Orphanet 79314, MedGen C1855995, MONDO:0009370, OMIM 236792, HP:0040144.

Allele frequency attached by ClinVar (database versions not stated): TOPMed 0.00001.

Submission:

Labcorp Genetics (formerly Invitae), Labcorp
Classification: Uncertain significance for L-2-hydroxyglutaric aciduria. Last evaluated: 2022-03-13. Review status: criteria provided, single submitter. Criteria: Invitae Variant Classification Sherloc (09022015). Collection method: clinical testing. Allele origin: germline.
Comment: In summary, the available evidence is currently insufficient to determine the role of this variant in disease. Therefore, it has been classified as a Variant of Uncertain Significance. Variants that disrupt the consensus splice site are a relatively common cause of aberrant splicing (PMID: 17576681, 9536098). Algorithms developed to predict the effect of sequence changes on RNA splicing suggest that this variant may disrupt the consensus splice site. This variant has not been reported in the literature in individuals affected with L2HGDH-related conditions. This variant is not present in population databases (gnomAD no frequency). This sequence change falls in intron 7 of the L2HGDH gene. It does not directly change the encoded amino acid sequence of the L2HGDH protein. It affects a nucleotide within the consensus splice site.

Literature cited by the submitters: PubMed 17576681; PubMed 9536098.

NM_024884.3(L2HGDH):c.906+5G>T

Gene: L2HGDH (L-2-hydroxyglutarate dehydrogenase; minus strand). Cytogenetic location: 14q21.3.
Variant type: single nucleotide variant.
Coding change: c.906+5G>T on transcript NM_024884.3 (MANE Select); 5 bases into the intron after coding-DNA position 906, G replaced by T.
Molecular consequence: intron variant.
Genome position (GRCh38, 1-based): chr14:50,269,158, C>A on the plus strand (G>T on the coding strand, the complement: L2HGDH is on the minus strand). VCF-style: chr14-50269158-C-A. GRCh37 (hg19) VCF-style: chr14-50735876-C-A.
Identifiers: ClinVar variation 1972520 (VCV001972520.5), dbSNP rs1889520205, ClinGen allele CA2136124055.